The following is an entry in ClinVar:

ClinVar aggregate classification (germline): Benign/Likely benign. Review status: criteria provided, multiple submitters, no conflicts (2 of 4 stars). 4 submissions from 4 submitters: Benign (2); Likely benign (2). Last evaluated 2025-08-18.

Conditions:
GALNTL5-related disorder. Also called: GALNTL5-related condition.

Allele frequency attached by ClinVar (database versions not stated): 1000 Genomes Project 30x 0.00078; 1000 Genomes Project 0.00100; gnomAD 0.00120 and 0.00121; TOPMed 0.00125; gnomAD exomes 0.00126 and 0.00199; ExAC 0.00132; ESP Exome Variant Server 0.00154.
gnomAD v4.1: 3,074 of 1,605,026 alleles (0.19%); highest among the groups gnomAD compares: Middle Eastern, 0.63%; 8 homozygotes.

Submissions (4):

Genomic Medicine Center of Excellence, King Faisal Specialist Hospital and Research Centre
Classification: Likely benign. Last evaluated: 2025-08-18. Review status: criteria provided, single submitter. Criteria: ACMG Guidelines, 2015. Collection method: clinical testing. Allele origin: germline.

PreventionGenetics, part of Exact Sciences
Classification: Likely benign for GALNTL5-related condition. Last evaluated: 2025-03-12. Review status: criteria provided, single submitter. Criteria: ACMG Guidelines, 2015. Collection method: clinical testing. Allele origin: germline.
Comment: This variant is classified as likely benign based on ACMG/AMP sequence variant interpretation guidelines (Richards et al. 2015 PMID: 25741868, with internal and published modifications).

Labcorp Genetics (formerly Invitae), Labcorp
Classification: Benign. Last evaluated: 2018-08-01. Review status: criteria provided, single submitter. Criteria: Invitae Variant Classification Sherloc (09022015). Collection method: clinical testing. Allele origin: germline.

Breakthrough Genomics
Classification: Benign. Review status: criteria provided, single submitter. Criteria: ACMG Guidelines, 2015. Collection method: not provided. Allele origin: germline. Inheritance: Unknown mechanism. Affected: yes.

NM_145292.4(GALNTL5):c.535+8A>G

Gene: GALNTL5 (polypeptide N-acetylgalactosaminyltransferase like 5; plus strand). Cytogenetic location: 7q36.1.
Variant type: single nucleotide variant.
Coding change: c.535+8A>G on transcript NM_145292.4 (MANE Select); 8 bases into the intron after coding-DNA position 535, A replaced by G.
Molecular consequence: intron variant.
Genome position (GRCh38, 1-based): chr7:151,983,160, A>G. VCF-style: chr7-151983160-A-G. GRCh37 (hg19) VCF-style: chr7-151680245-A-G.
Identifiers: ClinVar variation 770567 (VCV000770567.6), dbSNP rs200812489, ClinGen allele CA4577429.